The following is an entry in ClinVar:

ClinVar aggregate classification (germline): Likely benign (0 of 4 stars; one submission).

Conditions:
NFASC-related disorder. Also called: NFASC-related condition.

Allele frequency attached by ClinVar (database versions not stated): gnomAD exomes 0.00012; ExAC 0.00038; ESP Exome Variant Server 0.00097; 1000 Genomes Project 0.00120; gnomAD 0.00121; TOPMed 0.00139; 1000 Genomes Project 30x 0.00141.
gnomAD v4.1: 366 of 1,589,428 alleles (0.023%); highest among the groups gnomAD compares: African/African-American, 0.44%; 1 homozygote.

Submission:

PreventionGenetics, part of Exact Sciences
Classification: Likely benign for NFASC-related condition. Last evaluated: 2019-08-09. Review status: no assertion criteria provided. Collection method: clinical testing. Allele origin: germline.
Comment: This variant is classified as likely benign based on ACMG/AMP sequence variant interpretation guidelines (Richards et al. 2015 PMID: 25741868, with internal and published modifications).

NM_001005388.3(NFASC):c.3216A>G (p.Thr1072=)

Gene: NFASC (neurofascin; plus strand). Cytogenetic location: 1q32.1.
Variant type: single nucleotide variant.
Coding change: c.3216A>G on transcript NM_001005388.3 (MANE Select); coding-DNA position 3216, A replaced by G.
Protein change: p.Thr1072=; no amino-acid change (threonine 1072 retained).
Molecular consequence: synonymous variant. On other transcripts: intron variant (4).
Genome position (GRCh38, 1-based): chr1:205,002,675, A>G. VCF-style: chr1-205002675-A-G. GRCh37 (hg19) VCF-style: chr1-204971803-A-G.
Other names: c.3537A>G, p.Thr1179= (NM_001378329.1); c.3092-6882A>G (NM_001160332.2); c.3077-6882A>G (NM_015090.4); c.2756-6882A>G (NM_001365986.1); c.3137-6882A>G (NM_001160331.2).
Identifiers: ClinVar variation 3034891 (VCV003034891.2), dbSNP rs368525780, ClinGen allele CA1350698.